The following is an entry in ClinVar:

NM_001080449.3(DNA2):c.3074C>T (p.Pro1025Leu)

Gene: DNA2 (DNA replication helicase/nuclease 2; minus strand). Cytogenetic location: 10q21.3.
Variant type: single nucleotide variant.
Coding change: c.3074C>T on transcript NM_001080449.3 (MANE Select); coding-DNA position 3074, C replaced by T.
Protein change: p.Pro1025Leu; replaces proline 1025 with leucine.
Molecular consequence: missense variant. On other transcripts: non-coding transcript variant (1).
Genome position (GRCh38, 1-based): chr10:68,416,749, G>A on the plus strand (C>T on the coding strand, the complement: DNA2 is on the minus strand). VCF-style: chr10-68416749-G-A. GRCh37 (hg19) VCF-style: chr10-70176506-G-A.
Other names: short protein forms P1025L.
Identifiers: ClinVar variation 2699562 (VCV002699562.3), dbSNP rs2493889073, ClinGen allele CA376838956.

ClinVar aggregate classification (germline): Uncertain significance (1 of 4 stars; one submission).

Submission:

Labcorp Genetics (formerly Invitae), Labcorp
Classification: Uncertain significance. Last evaluated: 2023-11-28. Review status: criteria provided, single submitter. Criteria: Invitae Variant Classification Sherloc (09022015). Collection method: clinical testing. Allele origin: germline.
Comment: This sequence change replaces proline, which is neutral and non-polar, with leucine, which is neutral and non-polar, at codon 1025 of the DNA2 protein (p.Pro1025Leu). This variant is not present in population databases (gnomAD no frequency). This variant has not been reported in the literature in individuals affected with DNA2-related conditions. Advanced modeling of protein sequence and biophysical properties (such as structural, functional, and spatial information, amino acid conservation, physicochemical variation, residue mobility, and thermodynamic stability) performed at Invitae indicates that this missense variant is not expected to disrupt DNA2 protein function with a negative predictive value of 80%. In summary, the available evidence is currently insufficient to determine the role of this variant in disease. Therefore, it has been classified as a Variant of Uncertain Significance.